The following is an entry in ClinVar:

NM_001845.6(COL4A1):c.3880_3881del (p.Ile1294fs)

Gene: COL4A1 (collagen type IV alpha 1 chain; minus strand). Cytogenetic location: 13q34.
Variant type: Deletion.
Coding change: c.3880_3881del on transcript NM_001845.6 (MANE Select); coding-DNA positions 3880 to 3881, 2 bases deleted (AT; older notation c.3880_3881delAT).
Protein change: p.Ile1294fs; shifts the reading frame from isoleucine 1294.
Molecular consequence: frameshift variant.
Genome position (GRCh38, 1-based): chr13:110,167,226-110,167,227, AT deleted on the plus strand (AT on the coding strand, the reverse complement: COL4A1 is on the minus strand); deleting any 2 consecutive bases within chr13:110,167,226-110,167,228 gives the same sequence; the c. name uses the placement nearest the transcript's 3' end. VCF-style (leftmost placement, unchanged base first): chr13-110167225-AAT-A. GRCh37 (hg19) VCF-style: chr13-110819572-AAT-A.
Other names: short protein forms I1294fs.
Identifiers: ClinVar variation 3383991 (VCV003383991.1).

ClinVar aggregate classification (germline): Likely pathogenic (1 of 4 stars; one submission).

Conditions:
Retinal arteries.

Submission:

Dubai Health Genomic Medicine Center, Dubai Health
Classification: Likely pathogenic for Retinal arteries. Last evaluated: 2024-10-04. Review status: criteria provided, single submitter. Criteria: ACMG Guidelines, 2015. Collection method: research. Allele origin: germline. Affected: yes.
Comment: PVS1,PM2,PM6